The following is an entry in ClinVar:

NM_182931.3(KMT2E):c.3452C>T (p.Pro1151Leu)

Gene: KMT2E (lysine methyltransferase 2E (inactive); plus strand). Cytogenetic location: 7q22.3.
Variant type: single nucleotide variant.
Coding change: c.3452C>T on transcript NM_182931.3 (MANE Select); coding-DNA position 3452, C replaced by T.
Protein change: p.Pro1151Leu; replaces proline 1151 with leucine.
Molecular consequence: missense variant.
Genome position (GRCh38, 1-based): chr7:105,107,909, C>T. VCF-style: chr7-105107909-C-T. GRCh37 (hg19) VCF-style: chr7-104748356-C-T.
Other names: c.3452C>T, p.Pro1151Leu (NM_001410908.1, NM_018682.4); short protein forms P1151L.
Identifiers: ClinVar variation 2531533 (VCV002531533.2), dbSNP rs2536511054, ClinGen allele CA368789426.

ClinVar aggregate classification (germline): Uncertain significance (1 of 4 stars; one submission).

Conditions:
Inborn genetic diseases. Identifiers: MedGen C0950123, MeSH D030342.

Submission:

Ambry Genetics
Classification: Uncertain significance for Inborn genetic diseases. Last evaluated: 2023-05-17. Review status: criteria provided, single submitter. Criteria: Ambry Variant Classification Scheme 2023. Collection method: clinical testing. Allele origin: germline.
Comment: The c.3452C>T (p.P1151L) alteration is located in exon 22 (coding exon 20) of the KMT2E gene. This alteration results from a C to T substitution at nucleotide position 3452, causing the proline (P) at amino acid position 1151 to be replaced by a leucine (L). This variant was not reported in population-based cohorts in the Genome Aggregation Database (gnomAD). This amino acid position is highly conserved in available vertebrate species. The in silico prediction for this alteration is inconclusive. Based on insufficient or conflicting evidence, the clinical significance of this alteration remains unclear.